The following is an entry in ClinVar:

ClinVar aggregate classification (germline): Conflicting classifications of pathogenicity. Review status: criteria provided, conflicting classifications (1 of 4 stars). 4 submissions from 4 submitters: Uncertain significance (3); Likely benign (1). Last evaluated 2024-12-03.

Conditions:
Hereditary nonpolyposis colorectal neoplasms. Identifiers: MedGen C0009405, MeSH D003123.
Hereditary cancer-predisposing syndrome. Also called: Hereditary neoplastic syndrome; Tumor predisposition; Neoplastic Syndromes, Hereditary; Hereditary Cancer Syndrome. Identifiers: Orphanet 140162, MedGen C0027672, MeSH D009386, MONDO:0015356.

Allele frequency attached by ClinVar (database versions not stated): gnomAD exomes below 0.00001.
gnomAD v4.1: 1 of 1,612,546 alleles (0.000062%); highest among the groups gnomAD compares: Non-Finnish European, 0.000085%; no homozygotes.

Submissions (4):

Labcorp Genetics (formerly Invitae), Labcorp
Classification: Uncertain significance for Hereditary nonpolyposis colorectal neoplasms. Last evaluated: 2024-12-03. Review status: criteria provided, single submitter. Criteria: Invitae Variant Classification Sherloc (09022015). Collection method: clinical testing. Allele origin: germline.
Comment: This sequence change replaces serine, which is neutral and polar, with proline, which is neutral and non-polar, at codon 7 of the PMS2 protein (p.Ser7Pro). This variant is not present in population databases (gnomAD no frequency). This variant has not been reported in the literature in individuals affected with PMS2-related conditions. ClinVar contains an entry for this variant (Variation ID: 418412). Invitae Evidence Modeling incorporating data from in vitro experimental studies (internal data) indicates that this missense variant is not expected to disrupt PMS2 function with a negative predictive value of 95%. In summary, the available evidence is currently insufficient to determine the role of this variant in disease. Therefore, it has been classified as a Variant of Uncertain Significance.

Quest Diagnostics Nichols Institute San Juan Capistrano
Classification: Uncertain significance. Last evaluated: 2023-11-16. Review status: criteria provided, single submitter. Criteria: Quest Diagnostics criteria. Collection method: clinical testing. Allele origin: unknown.
Comment: The PMS2 c.19T>C (p.Ser7Pro) variant has not been reported in individuals with PMS2-related conditions in the published literature. It also has not been reported in large, multi-ethnic general populations (Genome Aggregation Database). Analysis of this variant using a bioinformatics tool for the prediction of the effect of amino acid changes on protein structure and function yielded a prediction that this variant is benign. Based on the available information, we are unable to determine the clinical significance of this variant.

Ambry Genetics
Classification: Likely benign for Hereditary cancer-predisposing syndrome. Last evaluated: 2023-03-30. Review status: criteria provided, single submitter. Criteria: Ambry Variant Classification Scheme 2023. Collection method: clinical testing. Allele origin: germline.

GeneDx
Classification: Uncertain significance. Last evaluated: 2016-09-26. Review status: criteria provided, single submitter. Criteria: GeneDx Variant Classification (06012015). Collection method: clinical testing. Allele origin: germline. Affected: yes.
Comment: This variant is denoted PMS2 c.19T>C at the cDNA level, p.Ser7Pro (S7P) at the protein level, and results in the change of a Serine to a Proline (TCG>CCG). This variant has not, to our knowledge, been published in the literature as pathogenic or benign. PMS2 Ser7Pro was not observed in approximately 6,500 individuals of European and African American ancestry in the NHLBI Exome Sequencing Project, indicating it is not a common benign variant in these populations. Since Serine and Proline differ in polarity, charge, size or other properties, this is considered a non-conservative amino acid substitution. PMS2 Ser7Pro occurs at a position that is not conserved and is located in the ATPase domain (Guarne 2001, Fukui 2011). In silico analyses predict that this variant is unlikely to alter protein structure or function. Based on currently available information, it is unclear whether PMS2 Ser7Pro is pathogenic or benign. We consider it to be a variant of uncertain significance.

NM_000535.7(PMS2):c.19T>C (p.Ser7Pro)

Gene: PMS2 (PMS1 homolog 2, mismatch repair system component; minus strand). Cytogenetic location: 7p22.1.
Variant type: single nucleotide variant.
Coding change: c.19T>C on transcript NM_000535.7 (MANE Select); coding-DNA position 19, T replaced by C.
Protein change: p.Ser7Pro; replaces serine 7 with proline.
Molecular consequence: missense variant. On other transcripts: 5 prime UTR variant (11), non-coding transcript variant (1).
Genome position (GRCh38, 1-based): chr7:6,009,001, A>G on the plus strand (T>C on the coding strand, the complement: PMS2 is on the minus strand). VCF-style: chr7-6009001-A-G. GRCh37 (hg19) VCF-style: chr7-6048632-A-G.
Other names: c.-382T>C (NM_001322003.2, NM_001322013.2); c.-247T>C (NM_001322004.2, NM_001322010.2); c.-577T>C (NM_001322005.2); c.19T>C, p.Ser7Pro (NM_001322006.2, NM_001322014.2); c.-197T>C (NM_001322007.2); c.-57T>C (NM_001322008.2); c.-572T>C (NM_001322009.2); c.-866T>C (NM_001322011.2); and 3 more; short protein forms S7P.
Identifiers: ClinVar variation 418412 (VCV000418412.12), dbSNP rs1064793232, ClinGen allele CA16618548.